The following is an entry in ClinVar:

NM_001429.4(EP300):c.6882A>G (p.Leu2294=)

Gene: EP300 (E1A binding protein p300; plus strand). Cytogenetic location: 22q13.2.
Variant type: single nucleotide variant.
Coding change: c.6882A>G on transcript NM_001429.4 (MANE Select); coding-DNA position 6882, A replaced by G.
Protein change: p.Leu2294=; no amino-acid change (leucine 2294 retained).
Molecular consequence: synonymous variant.
Genome position (GRCh38, 1-based): chr22:41,178,593, A>G. VCF-style: chr22-41178593-A-G. GRCh37 (hg19) VCF-style: chr22-41574597-A-G.
Other names: c.6804A>G, p.Leu2268= (NM_001362843.2).
Identifiers: ClinVar variation 3351871 (VCV003351871.1).

ClinVar aggregate classification (germline): Likely benign (0 of 4 stars; one submission).

Conditions:
EP300-related disorder. Also called: EP300-related disorders; EP300-related condition.

gnomAD v4.1: 8 of 1,613,876 alleles (0.0005%); highest among the groups gnomAD compares: Admixed American, 0.0017%; no homozygotes.

Submission:

PreventionGenetics, part of Exact Sciences
Classification: Likely benign for EP300-related condition. Last evaluated: 2022-02-03. Review status: no assertion criteria provided. Collection method: clinical testing. Allele origin: germline.
Comment: This variant is classified as likely benign based on ACMG/AMP sequence variant interpretation guidelines (Richards et al. 2015 PMID: 25741868, with internal and published modifications).